The following is an entry in ClinVar:

NM_016239.4(MYO15A):c.6957-13C>A

Gene: MYO15A (myosin XVA; plus strand). Cytogenetic location: 17p11.2.
Variant type: single nucleotide variant.
Coding change: c.6957-13C>A on transcript NM_016239.4 (MANE Select); 13 bases into the intron before coding-DNA position 6957, C replaced by A.
Molecular consequence: intron variant.
Genome position (GRCh38, 1-based): chr17:18,149,203, C>A. VCF-style: chr17-18149203-C-A. GRCh37 (hg19) VCF-style: chr17-18052517-C-A.
Identifiers: ClinVar variation 228966 (VCV000228966.6), dbSNP rs773985638, ClinGen allele CA8424707.

ClinVar aggregate classification (germline): Conflicting classifications of pathogenicity. Review status: criteria provided, conflicting classifications (1 of 4 stars). 2 submissions from 2 submitters: Uncertain significance (1); Likely benign (1). Last evaluated 2025-12-09.

Allele frequency attached by ClinVar (database versions not stated): ExAC 0.00001; TOPMed 0.00002; gnomAD exomes 0.00002 and 0.00001.
gnomAD v4.1: 5 of 1,613,880 alleles (0.00031%); highest among the groups gnomAD compares: Admixed American, 0.0083%; no homozygotes.

Submissions (2):

Labcorp Genetics (formerly Invitae), Labcorp
Classification: Likely benign. Last evaluated: 2025-12-09. Review status: criteria provided, single submitter. Criteria: Invitae Variant Classification Sherloc (09022015). Collection method: clinical testing. Allele origin: germline.

Laboratory for Molecular Medicine, Mass General Brigham Personalized Medicine
Classification: Uncertain significance. Last evaluated: 2015-10-10. Review status: criteria provided, single submitter. Criteria: LMM Criteria. Collection method: clinical testing. Allele origin: germline. Observed: 1 variant allele.
Comment: Variant classified as Uncertain Significance - Favor Benign. The c.6957-13C>A va riant in MYO15A has not been previously reported in individuals with hearing los s, but has been identified in 1/11090 Latino chromosomes by the Exome Aggregatio n Consortium (ExAC; dbSNP rs773985638). This var iant is located in the 3' splice region. Computational tools do not suggest an i mpact to splicing; however, this information is not predictive enough to rule ou t pathogenicity. In summary, the clinical significance of the c.6957-13C>A varia nt is uncertain.